The following is an entry in ClinVar:

NM_194248.3(OTOF):c.5038C>T (p.Arg1680Cys)

Genes: OTOF (otoferlin; minus strand), LOC112840921 (BRD4-independent group 4 enhancer GRCh37_chr2:26685720-26686919; plus strand). Cytogenetic location: 2p23.3.
Variant type: single nucleotide variant.
Coding change: c.5038C>T on transcript NM_194248.3 (MANE Select); coding-DNA position 5038, C replaced by T.
Protein change: p.Arg1680Cys; replaces arginine 1680 with cysteine.
Molecular consequence: missense variant.
Genome position (GRCh38, 1-based): chr2:26,464,029, G>A on the plus strand (C>T on the coding strand, the complement: OTOF is on the minus strand). VCF-style: chr2-26464029-G-A. GRCh37 (hg19) VCF-style: chr2-26686897-G-A.
Other names: c.2968C>T, p.Arg990Cys (NM_194322.3); c.2737C>T, p.Arg913Cys (NM_194323.3, NM_004802.4); c.5038C>T, p.Arg1680Cys (NM_001287489.2); short protein forms R1680C, R990C, R913C.
Identifiers: ClinVar variation 48246 (VCV000048246.22), dbSNP rs147070644, ClinGen allele CA142913.

ClinVar aggregate classification (germline): Conflicting classifications of pathogenicity. Review status: criteria provided, conflicting classifications (1 of 4 stars). 9 submissions from 9 submitters: Uncertain significance (8); Likely benign (1). Last evaluated 2026-06-23.

Conditions:
OTOF-related disorder. Also called: OTOF-related condition.
Autosomal recessive nonsyndromic hearing loss 9. Also called: NEUROSENSORY NONSYNDROMIC RECESSIVE DEAFNESS 9; Deafness, autosomal recessive 9; OTOF-Related Hearing Loss; AUDITORY NEUROPATHY, AUTOSOMAL RECESSIVE, 1, TEMPERATURE-SENSITIVE. Identifiers: Orphanet 90636, MedGen C1832828, MONDO:0010986, OMIM 601071.

Allele frequency attached by ClinVar (database versions not stated): gnomAD 0.00044 and 0.00042; ExAC 0.00051; ESP Exome Variant Server 0.00077; TOPMed 0.00037; gnomAD exomes 0.00041.
gnomAD v4.1: 1,023 of 1,613,580 alleles (0.063%); highest among the groups gnomAD compares: Non-Finnish European, 0.082%; no homozygotes.

Submissions (9):

PreventionGenetics, part of Exact Sciences
Classification: Uncertain significance for OTOF-related condition. Last evaluated: 2026-06-23. Review status: criteria provided, single submitter. Criteria: ACMG Guidelines, 2015. Collection method: clinical testing. Allele origin: germline.
Comment: The OTOF c.5038C>T variant is predicted to result in the amino acid substitution p.Arg1680Cys. This variant was reported in heterozygous state in an individual with hearing loss, however three other variants in OTOF gene were observed in this individual (as p.Arg 913Cys in Table S3, Sloan-Heggen et al. 2016. PubMed ID: 26969326). This variant is reported in 0.079% of alleles in individuals of European (Non-Finnish) descent in gnomAD. At this time, the clinical significance of this variant is uncertain due to the absence of conclusive functional and genetic evidence.

CeGaT Center for Human Genetics Tuebingen
Classification: Uncertain significance. Last evaluated: 2026-06-01. Review status: criteria provided, single submitter. Criteria: CeGaT Center For Human Genetics Tuebingen Variant Classification Criteria Version 2. Collection method: clinical testing. Allele origin: germline. Affected: yes. Observed: 1 variant allele.

GeneDx
Classification: Uncertain significance. Last evaluated: 2026-02-12. Review status: criteria provided, single submitter. Criteria: GeneDx Variant Classification Process June 2021. Collection method: clinical testing. Allele origin: germline.
Comment: Reported with OTOF variants (phase unknown) in a patient with hearing loss in published literature (PMID: 26969326); In silico analysis supports that this missense variant has a deleterious effect on protein structure/function; This variant is associated with the following publications: (PMID: 26969326)

Labcorp Genetics (formerly Invitae), Labcorp
Classification: Likely benign. Last evaluated: 2026-01-28. Review status: criteria provided, single submitter. Criteria: Invitae Variant Classification Sherloc (09022015). Collection method: clinical testing. Allele origin: germline.

Blueprint Genetics
Classification: Uncertain significance. Last evaluated: 2024-10-11. Review status: criteria provided, single submitter. Criteria: ACMG Guidelines, 2015. Collection method: clinical testing. Allele origin: germline.

Women's Health and Genetics/Laboratory Corporation of America, LabCorp
Classification: Uncertain significance. Last evaluated: 2023-02-17. Review status: criteria provided, single submitter. Criteria: LabCorp Variant Classification Summary - May 2015. Collection method: clinical testing. Allele origin: germline.
Comment: Variant summary: OTOF c.5038C>T (p.Arg1680Cys) results in a non-conservative amino acid change in the encoded protein sequence. Three of five in-silico tools predict a damaging effect of the variant on protein function. The variant allele was found at a frequency of 0.00041 in 250712 control chromosomes. This frequency is not significantly higher than estimated for a pathogenic variant in OTOF causing Nonsyndromic Hearing Loss And Deafness, Type 9 (0.00041 vs 0.0011), allowing no conclusion about variant significance. c.5038C>T has been reported in the literature in individuals affected with Nonsyndromic Hearing Loss, however without strong evidence for causality (e.g., Sloan-Heggen_2016). Additionally, one ClinVar submitter reports identifying the variant in at least two heterozygous individuals with hearing loss, however, no second OTOF variant was identified (Laboratory for Molecular Medicine, Mass General Brigham Personalized Medicine). These reports do not provide conclusions about association of the variant with Nonsyndromic Hearing Loss And Deafness, Type 9. To our knowledge, no experimental evidence demonstrating an impact on protein function has been reported. Four ClinVar submitters (evaluation after 2014) have cited the variant, with three submitters classifying the variant as uncertain significance and one submitter classifying the variant as likely benign. Based on the evidence outlined above, the variant was classified as uncertain significance.

Fulgent Genetics
Classification: Uncertain significance for Autosomal recessive nonsyndromic hearing loss 9. Last evaluated: 2021-11-09. Review status: criteria provided, single submitter. Criteria: ACMG Guidelines, 2015. Collection method: clinical testing. Allele origin: unknown.

Illumina Laboratory Services, Illumina
Classification: Uncertain significance for Autosomal recessive nonsyndromic hearing loss 9. Last evaluated: 2018-01-12. Review status: criteria provided, single submitter. Criteria: ICSL Variant Classification Criteria 13 December 2019. Collection method: clinical testing. Allele origin: germline.

Laboratory for Molecular Medicine, Mass General Brigham Personalized Medicine
Classification: Uncertain significance. Last evaluated: 2016-06-30. Review status: criteria provided, single submitter. Criteria: LMM Criteria. Collection method: clinical testing. Allele origin: germline. Observed: 2 variant alleles.
Comment: The p.Arg1680Cys variant in OTOF has now been identified by our laboratory in th e heterozygous state in 2 individuals with hearing loss, but a second variant af fecting the remaining copy of the gene has not been found in of either individua l. This variant has also been identified in 0.1% (60/65886) of European chromoso mes by the Exome Aggregation Consortium (ExAC; d bSNP rs147070644). Although this variant has been seen in the general populatio n, its frequency is not high enough to rule out a pathogenic role. Computational prediction tools and conservation analyses do not provide strong support for or against an impact to the protein. In summary, the clinical significance of the p.Arg1680Cys variant is uncertain.

Literature cited by the submitters: PubMed 26969326 (cited by Women's Health and Genetics/Laboratory Corporation of America, LabCorp).